The following is an entry in ClinVar:

NM_004333.6(BRAF):c.2125C>A (p.Gln709Lys)

Gene: BRAF (B-Raf proto-oncogene, serine/threonine kinase; minus strand). Cytogenetic location: 7q34.
Variant type: single nucleotide variant.
Coding change: c.2125C>A on transcript NM_004333.6 (MANE Select); coding-DNA position 2125, C replaced by A.
Protein change: p.Gln709Lys; replaces glutamine 709 with lysine.
Molecular consequence: missense variant.
Genome position (GRCh38, 1-based): chr7:140,739,814, G>T on the plus strand (C>A on the coding strand, the complement: BRAF is on the minus strand). VCF-style: chr7-140739814-G-T. GRCh37 (hg19) VCF-style: chr7-140439614-G-T.
Other names: c.2125C>A, p.Gln709Lys (NM_001354609.2, NM_001378468.1, NM_001378474.1); c.2245C>A, p.Gln749Lys (NM_001374244.1, NM_001374258.1); c.2134C>A, p.Gln712Lys (NM_001378467.1); c.2059C>A, p.Gln687Lys (NM_001378469.1); c.2023C>A, p.Gln675Lys (NM_001378470.1); c.2014C>A, p.Gln672Lys (NM_001378471.1); c.1969C>A, p.Gln657Lys (NM_001378472.1, NM_001378473.1); c.1861C>A, p.Gln621Lys (NM_001378475.1); short protein forms Q709K, Q621K, Q657K, Q672K, Q675K, Q687K, Q712K, Q749K.
Identifiers: ClinVar variation 543990 (VCV000543990.7), dbSNP rs1554389828, ClinGen allele CA369537914.

ClinVar aggregate classification (germline): Uncertain significance (1 of 4 stars; one submission).

Conditions:
RASopathy. Also called: Noonan spectrum disorder; rasopathies. Identifiers: Orphanet 536391, MedGen C5555857, MONDO:0021060.

Submission:

Labcorp Genetics (formerly Invitae), Labcorp
Classification: Uncertain significance for RASopathy. Last evaluated: 2017-12-24. Review status: criteria provided, single submitter. Criteria: Invitae Variant Classification Sherloc (09022015). Collection method: clinical testing. Allele origin: germline.
Comment: In summary, the available evidence is currently insufficient to determine the role of this variant in disease. Therefore, it has been classified as a Variant of Uncertain Significance. A different missense substitution at this codon (p.Gln709Arg) has been determined to be pathogenic (PMID: 19206169). This suggests that the glutamine residue is critical for BRAF protein function and that other missense substitutions at this position may also be pathogenic. Algorithms developed to predict the effect of missense changes on protein structure and function do not agree on the potential impact of this missense change (SIFT: "Tolerated"; PolyPhen-2: "Probably Damaging"; Align-GVGD: "Class C0"). This variant has not been reported in the literature in individuals with BRAF-related disease. This variant is not present in population databases (ExAC no frequency). This sequence change replaces glutamine with lysine at codon 709 of the BRAF protein (p.Gln709Lys). The glutamine residue is highly conserved and there is a small physicochemical difference between glutamine and lysine.

Literature cited by the submitters: PubMed 19206169.